The following is an entry in ClinVar:

NM_017849.4(TMEM127):c.250T>C (p.Cys84Arg)

Gene: TMEM127 (transmembrane protein 127; minus strand). Cytogenetic location: 2q11.2.
Variant type: single nucleotide variant.
Coding change: c.250T>C on transcript NM_017849.4 (MANE Select); coding-DNA position 250, T replaced by C.
Protein change: p.Cys84Arg; replaces cysteine 84 with arginine.
Molecular consequence: missense variant.
Genome position (GRCh38, 1-based): chr2:96,254,992, A>G on the plus strand (T>C on the coding strand, the complement: TMEM127 is on the minus strand). VCF-style: chr2-96254992-A-G. GRCh37 (hg19) VCF-style: chr2-96920730-A-G.
Other names: c.250T>C, p.Cys84Arg (NM_001193304.3); c.-3T>C (NM_001407282.1, NM_001407283.1); short protein forms C84R.
Identifiers: ClinVar variation 2005572 (VCV002005572.5), dbSNP rs1369345321, ClinGen allele CA347653704.

ClinVar aggregate classification (germline): Uncertain significance. Review status: criteria provided, multiple submitters, no conflicts (2 of 4 stars). 2 submissions from 2 submitters: Uncertain significance (2). Last evaluated 2026-04-18.

Conditions:
Hereditary cancer-predisposing syndrome. Also called: Neoplastic Syndromes, Hereditary; Tumor predisposition; Hereditary Cancer Syndrome; Hereditary neoplastic syndrome. Identifiers: Orphanet 140162, MedGen C0027672, MeSH D009386, MONDO:0015356.
Hereditary pheochromocytoma and paraganglioma. Also called: Hereditary Paraganglioma-Pheochromocytoma Syndromes; Hereditary paragangliomas and pheochromocytomas; Hereditary pheochromocytoma-paraganglioma. Identifiers: Orphanet 29072, MedGen C4274332, MONDO:0017366.

gnomAD v4.1: 1 of 1,614,194 alleles (0.000062%); highest among the groups gnomAD compares: Non-Finnish European, 0.000085%; no homozygotes.

Submissions (2):

Ambry Genetics
Classification: Uncertain significance for Hereditary cancer-predisposing syndrome. Last evaluated: 2026-04-18. Review status: criteria provided, single submitter. Criteria: Ambry Variant Classification Scheme 2023. Collection method: clinical testing. Allele origin: germline.
Comment: The p.C84R variant (also known as c.250T>C), located in coding exon 2 of the TMEM127 gene, results from a T to C substitution at nucleotide position 250. The cysteine at codon 84 is replaced by arginine, an amino acid with highly dissimilar properties. This amino acid position is conserved. In addition, this alteration is predicted to be deleterious by in silico analysis. Based on the available evidence, the clinical significance of this variant remains unclear.

Labcorp Genetics (formerly Invitae), Labcorp
Classification: Uncertain significance for Hereditary pheochromocytoma and paraganglioma. Last evaluated: 2022-06-13. Review status: criteria provided, single submitter. Criteria: Invitae Variant Classification Sherloc (09022015). Collection method: clinical testing. Allele origin: germline.
Comment: In summary, the available evidence is currently insufficient to determine the role of this variant in disease. Therefore, it has been classified as a Variant of Uncertain Significance. Algorithms developed to predict the effect of missense changes on protein structure and function (SIFT, PolyPhen-2, Align-GVGD) all suggest that this variant is likely to be disruptive. This variant has not been reported in the literature in individuals affected with TMEM127-related conditions. This variant is not present in population databases (gnomAD no frequency). This sequence change replaces cysteine, which is neutral and slightly polar, with arginine, which is basic and polar, at codon 84 of the TMEM127 protein (p.Cys84Arg).